The following is an entry in ClinVar:

ClinVar aggregate classification (germline): Uncertain significance (1 of 4 stars; one submission).

Submission:

Mayo Clinic Laboratories, Mayo Clinic
Classification: Uncertain significance. Last evaluated: 2025-07-15. Review status: criteria provided, single submitter. Criteria: ACMG Guidelines, 2015. Collection method: clinical testing. Allele origin: germline. Observed: 1 variant allele.
Comment: PP3, PM2_supporting

NM_005070.4(SLC4A3):c.2725T>C (p.Phe909Leu)

Gene: SLC4A3 (solute carrier family 4 member 3; plus strand). Cytogenetic location: 2q35.
Variant type: single nucleotide variant.
Coding change: c.2725T>C on transcript NM_005070.4 (MANE Select); coding-DNA position 2725, T replaced by C.
Protein change: p.Phe909Leu; replaces phenylalanine 909 with leucine.
Molecular consequence: missense variant. On other transcripts: non-coding transcript variant (1).
Genome position (GRCh38, 1-based): chr2:219,637,770, T>C. VCF-style: chr2-219637770-T-C. GRCh37 (hg19) VCF-style: chr2-220502492-T-C.
Other names: p.Phe936Leu; c.2806T>C, p.Phe936Leu (NM_001326559.2, NM_201574.3); c.2725T>C, p.Phe909Leu (NM_001438863.1); c.2131T>C, p.Phe711Leu (NM_001438864.1); short protein forms F711L, F909L, F936L.
Identifiers: ClinVar variation 4540815 (VCV004540815.1).